The following is an entry in ClinVar:

NM_000059.4(BRCA2):c.7951A>G (p.Arg2651Gly)

Gene: BRCA2 (BRCA2 DNA repair associated; plus strand). Cytogenetic location: 13q13.1.
Variant type: single nucleotide variant.
Coding change: c.7951A>G on transcript NM_000059.4 (MANE Select); coding-DNA position 7951, A replaced by G.
Protein change: p.Arg2651Gly; replaces arginine 2651 with glycine.
Molecular consequence: missense variant.
Genome position (GRCh38, 1-based): chr13:32,362,668, A>G. VCF-style: chr13-32362668-A-G. GRCh37 (hg19) VCF-style: chr13-32936805-A-G.
Other names: short protein forms R2651G.
Identifiers: ClinVar variation 479299 (VCV000479299.16), dbSNP rs1555286865, ClinGen allele CA387747245.

ClinVar aggregate classification (germline): Uncertain significance. Review status: criteria provided, multiple submitters, no conflicts (2 of 4 stars). 4 submissions from 4 submitters: Uncertain significance (4). Last evaluated 2025-05-31.

Conditions:
Hereditary cancer-predisposing syndrome. Also called: Neoplastic Syndromes, Hereditary; Hereditary Cancer Syndrome; Hereditary neoplastic syndrome; Tumor predisposition. Identifiers: Orphanet 140162, MedGen C0027672, MeSH D009386, MONDO:0015356.
Hereditary breast ovarian cancer syndrome. Also called: Hereditary breast and ovarian cancer syndrome (HBOC); Hereditary breast and ovarian cancer syndrome; Breast and ovarian cancer; BRCA1- and BRCA2-Associated Hereditary Breast and Ovarian Cancer; Hereditary breast and ovarian cancer; Hereditary breast and/or ovarian cancer syndrome. Identifiers: Orphanet 145, MedGen C0677776, MeSH D061325, MONDO:0003582. Disease mechanism: loss of function.
Familial cancer of breast. Also called: BREAST CANCER, FAMILIAL; hereditary breast carcinoma; Hereditary breast cancer. Identifiers: Orphanet 227535, MedGen C0346153, MONDO:0016419, OMIM 114480. Disease mechanism: loss of function.

Submissions (4):

Color Diagnostics, LLC DBA Color Health
Classification: Uncertain significance for Hereditary cancer-predisposing syndrome. Last evaluated: 2025-05-31. Review status: criteria provided, single submitter. Criteria: ACMG Guidelines, 2015. Collection method: clinical testing. Allele origin: germline.
Comment: This missense variant replaces arginine with glycine at codon 2651 of the BRCA2 protein. Computational prediction is inconclusive regarding the impact of this variant on protein structure and function. Functional studies have reported conflicting findings for this variant. This variant has been reported to have no impact in two cell proliferation assays (PMID: 35190686, 39779857) and to be loss-of-function in sensitivity assays to cisplatin and PARP inhibitor (PMID: 39779848). A multifactorial analysis has reported a likelihood ratio for pathogenicity based on personal and family history of 0.361 for one carrier (PMID: 31853058). This variant has not been identified in the general population by the Genome Aggregation Database (gnomAD). The available evidence is insufficient to determine the role of this variant in disease conclusively. Therefore, this variant is classified as a Variant of Uncertain Significance.

Ambry Genetics
Classification: Uncertain significance for Hereditary cancer-predisposing syndrome. Last evaluated: 2024-10-17. Review status: criteria provided, single submitter. Criteria: Ambry Variant Classification Scheme 2023. Collection method: clinical testing. Allele origin: germline.
Comment: The p.R2651G variant (also known as c.7951A>G), located in coding exon 16 of the BRCA2 gene, results from an A to G substitution at nucleotide position 7951. The arginine at codon 2651 is replaced by glycine, an amino acid with dissimilar properties. This amino acid position is not well conserved in available vertebrate species. In addition, the in silico prediction for this alteration is inconclusive. Since supporting evidence is limited at this time, the clinical significance of this alteration remains unclear.

Labcorp Genetics (formerly Invitae), Labcorp
Classification: Uncertain significance for Hereditary breast ovarian cancer syndrome. Last evaluated: 2024-08-09. Review status: criteria provided, single submitter. Criteria: Invitae Variant Classification Sherloc (09022015). Collection method: clinical testing. Allele origin: germline.
Comment: This sequence change replaces arginine, which is basic and polar, with glycine, which is neutral and non-polar, at codon 2651 of the BRCA2 protein (p.Arg2651Gly). This variant is not present in population databases (gnomAD no frequency). This variant has not been reported in the literature in individuals affected with BRCA2-related conditions. ClinVar contains an entry for this variant (Variation ID: 479299). Advanced modeling of protein sequence and biophysical properties (such as structural, functional, and spatial information, amino acid conservation, physicochemical variation, residue mobility, and thermodynamic stability) performed at Invitae indicates that this missense variant is not expected to disrupt BRCA2 protein function with a negative predictive value of 95%. In summary, the available evidence is currently insufficient to determine the role of this variant in disease. Therefore, it has been classified as a Variant of Uncertain Significance.

Institute of Human Genetics, University of Leipzig Medical Center
Classification: Uncertain significance for Familial cancer of breast. Last evaluated: 2019-01-01. Review status: criteria provided, single submitter. Criteria: ACMG Guidelines, 2015. Collection method: clinical testing. Allele origin: unknown. Affected: yes.

Literature cited by the submitters: PubMed 31853058 (cited by Color Diagnostics, LLC DBA Color Health); PubMed 35190686 (cited by Color Diagnostics, LLC DBA Color Health); PubMed 39779848 (cited by Color Diagnostics, LLC DBA Color Health); PubMed 39779857 (cited by Color Diagnostics, LLC DBA Color Health).